The following is an entry in ClinVar:

ClinVar aggregate classification (germline): Conflicting classifications of pathogenicity. Review status: criteria provided, conflicting classifications (1 of 4 stars). 2 submissions from 2 submitters: Uncertain significance (1); Likely benign (1). Last evaluated 2025-11-17.

Conditions:
Retinal dystrophy. Also called: Inherited retinal dystrophy. Identifiers: Orphanet 71862, MedGen C0854723, MeSH D058499, MONDO:0019118, HP:0000556.

Allele frequency attached by ClinVar (database versions not stated): 1000 Genomes Project 0.00020; ExAC 0.00001; gnomAD 0.00001 and 0.00002; gnomAD exomes 0.00001 and 0.00005; TOPMed 0.00002; 1000 Genomes Project 30x 0.00016.

Submissions (2):

Labcorp Genetics (formerly Invitae), Labcorp
Classification: Uncertain significance. Last evaluated: 2025-11-17. Review status: criteria provided, single submitter. Criteria: Invitae Variant Classification Sherloc (09022015). Collection method: clinical testing. Allele origin: germline.
Comment: This sequence change replaces lysine, which is basic and polar, with glutamic acid, which is acidic and polar, at codon 37 of the FAM161A protein (p.Lys37Glu). This variant is present in population databases (rs200976538, gnomAD 0.006%). This variant has not been reported in the literature in individuals affected with FAM161A-related conditions. ClinVar contains an entry for this variant (Variation ID: 1367787). Invitae Evidence Modeling of protein sequence and biophysical properties (such as structural, functional, and spatial information, amino acid conservation, physicochemical variation, residue mobility, and thermodynamic stability) indicates that this missense variant is not expected to disrupt FAM161A protein function with a negative predictive value of 80%. In summary, the available evidence is currently insufficient to determine the role of this variant in disease. Therefore, it has been classified as a Variant of Uncertain Significance.

Dept Of Ophthalmology, Nagoya University
Classification: Likely benign for Retinal dystrophy. Last evaluated: 2023-10-01. Review status: criteria provided, single submitter. Criteria: Submitter's publication. Collection method: research. Allele origin: germline. Affected: yes.

NM_001201543.2(FAM161A):c.109A>G (p.Lys37Glu)

Genes: FAM161A (FAM161 centrosomal protein A; minus strand), LOC129933843 (ATAC-STARR-seq lymphoblastoid active region 15839; plus strand). Cytogenetic location: 2p15.
Variant type: single nucleotide variant.
Coding change: c.109A>G on transcript NM_001201543.2 (MANE Select); coding-DNA position 109, A replaced by G.
Protein change: p.Lys37Glu; replaces lysine 37 with glutamic acid.
Molecular consequence: missense variant. On other transcripts: non-coding transcript variant (1).
Genome position (GRCh38, 1-based): chr2:61,853,933, T>C on the plus strand (A>G on the coding strand, the complement: FAM161A is on the minus strand). VCF-style: chr2-61853933-T-C. GRCh37 (hg19) VCF-style: chr2-62081068-T-C.
Other names: c.109A>G, p.Lys37Glu (NM_032180.3); short protein forms K37E.
Identifiers: ClinVar variation 1367787 (VCV001367787.7), dbSNP rs200976538, ClinGen allele CA1679447.
Genomic context (GRCh38, chr2:61,853,933, plus strand): 5'-GCTGAGCCACTTTCTCCTCCTCTTCGTCCTCCAAGATCGCCTCCGCTGCCGCCAGGGCCT[T>C]TAAGGGGTCTTCGCGTTCGTACTGGGCGACCCGCGCTCCAGTGATGGGATTTACCGGGGT-3'
Protein context (NP_001188472.1, residues 27-47): VAQYEREDPL[Lys37Glu]ALAAAEAILE